The following is an entry in ClinVar:

NM_001040108.2(MLH3):c.1377A>C (p.Gln459His)

Gene: MLH3 (mutL homolog 3; minus strand). Cytogenetic location: 14q24.3.
Variant type: single nucleotide variant.
Coding change: c.1377A>C on transcript NM_001040108.2 (MANE Select); coding-DNA position 1377, A replaced by C.
Protein change: p.Gln459His; replaces glutamine 459 with histidine.
Molecular consequence: missense variant.
Genome position (GRCh38, 1-based): chr14:75,048,279, T>G on the plus strand (A>C on the coding strand, the complement: MLH3 is on the minus strand). VCF-style: chr14-75048279-T-G. GRCh37 (hg19) VCF-style: chr14-75514982-T-G.
Other names: c.1377A>C, p.Gln459His (NM_014381.3); short protein forms Q459H.
Identifiers: ClinVar variation 1000686 (VCV001000686.11), dbSNP rs775675058, ClinGen allele CA390446122.

ClinVar aggregate classification (germline): Uncertain significance. Review status: criteria provided, multiple submitters, no conflicts (2 of 4 stars). 2 submissions from 2 submitters: Uncertain significance (2). Last evaluated 2024-02-24.

Conditions:
Colorectal cancer, hereditary nonpolyposis, type 7. Identifiers: Orphanet 144, MedGen C1858380, MONDO:0013725, OMIM 614385.

Allele frequency attached by ClinVar (database versions not stated): TOPMed below 0.00001; gnomAD 0.00001.
gnomAD v4.1: 2 of 1,613,974 alleles (0.00012%); highest among the groups gnomAD compares: Admixed American, 0.0033%; no homozygotes.

Submissions (2):

Ambry Genetics
Classification: Uncertain significance. Last evaluated: 2024-02-24. Review status: criteria provided, single submitter. Criteria: Ambry Variant Classification Scheme 2023. Collection method: clinical testing. Allele origin: germline.
Comment: The p.Q459H variant (also known as c.1377A>C), located in coding exon 1 of the MLH3 gene, results from an A to C substitution at nucleotide position 1377. The glutamine at codon 459 is replaced by histidine, an amino acid with highly similar properties. This amino acid position is conserved. In addition, this alteration is predicted to be tolerated by in silico analysis. Since supporting evidence is limited at this time, the clinical significance of this alteration remains unclear.

Labcorp Genetics (formerly Invitae), Labcorp
Classification: Uncertain significance for Colorectal cancer, hereditary nonpolyposis, type 7. Last evaluated: 2020-12-04. Review status: criteria provided, single submitter. Criteria: Invitae Variant Classification Sherloc (09022015). Collection method: clinical testing. Allele origin: germline.
Comment: In summary, the available evidence is currently insufficient to determine the role of this variant in disease. Therefore, it has been classified as a Variant of Uncertain Significance. This sequence change replaces glutamine with histidine at codon 459 of the MLH3 protein (p.Gln459His). The glutamine residue is weakly conserved and there is a small physicochemical difference between glutamine and histidine. This variant is not present in population databases (ExAC no frequency). This variant has not been reported in the literature in individuals with MLH3-related conditions. Algorithms developed to predict the effect of missense changes on protein structure and function output the following: SIFT: "Tolerated"; PolyPhen-2: "Benign"; Align-GVGD: "Class C0". The histidine amino acid residue is found in multiple mammalian species, suggesting that this missense change does not adversely affect protein function. These predictions have not been confirmed by published functional studies and their clinical significance is uncertain.